The following is an entry in ClinVar:

ClinVar aggregate classification (germline): Benign/Likely benign. Review status: criteria provided, single submitter (1 of 4 stars). 2 submissions from 1 submitter: Benign (1); Likely benign (1). Last evaluated 2018-01-12.

Conditions:
Gastrointestinal stromal tumor. Also called: Gastrointestinal stroma tumor; Gastrointestinal stromal tumor, somatic. Identifiers: Orphanet 44890, MedGen C0238198, MeSH D046152, MONDO:0011719, OMIM 606764, HP:0100723.
Idiopathic hypereosinophilic syndrome (HES). Identifiers: Orphanet 3260, MedGen C0206141, MONDO:0011895, OMIM 607685. Disease mechanism: gain of function.

Allele frequency attached by ClinVar (database versions not stated): gnomAD 0.00006 and 0.00008; TOPMed 0.00012; 1000 Genomes Project 30x 0.00031; 1000 Genomes Project 0.00040; gnomAD exomes 0.00130.
gnomAD v4.1: 109 of 233,598 alleles (0.047%); highest among the groups gnomAD compares: East Asian, 0.6%; 2 homozygotes.

Submissions (2):

Illumina Laboratory Services, Illumina
Classification: Likely benign for Gastrointestinal stromal tumor. Last evaluated: 2018-01-12. Review status: criteria provided, single submitter. Criteria: ICSL Variant Classification Criteria 13 December 2019. Collection method: clinical testing. Allele origin: germline.
Comment: This variant was observed in the ICSL laboratory as part of a predisposition screen in an ostensibly healthy population. It had not been previously curated by ICSL or reported in the Human Gene Mutation Database (HGMD: prior to June 1st, 2018), and was therefore a candidate for classification through an automated scoring system. Utilizing variant allele frequency, disease prevalence and penetrance estimates, and inheritance mode, an automated score was calculated to assess if this variant is too frequent to cause the disease. Based on the score and internal cut-off values, a variant classified as likely benign is not then subjected to further curation. The score for this variant resulted in a classification of likely benign for this disease.

Illumina Laboratory Services, Illumina
Classification: Benign for Idiopathic hypereosinophilic syndrome. Last evaluated: 2018-01-12. Review status: criteria provided, single submitter. Criteria: ICSL Variant Classification Criteria 13 December 2019. Collection method: clinical testing. Allele origin: germline.
Comment: This variant was observed in the ICSL laboratory as part of a predisposition screen in an ostensibly healthy population. It had not been previously curated by ICSL or reported in the Human Gene Mutation Database (HGMD: prior to June 1st, 2018), and was therefore a candidate for classification through an automated scoring system. Utilizing variant allele frequency, disease prevalence and penetrance estimates, and inheritance mode, an automated score was calculated to assess if this variant is too frequent to cause the disease. Based on the score and internal cut-off values, a variant classified as benign is not then subjected to further curation. The score for this variant resulted in a classification of benign for this disease.

NM_006206.6(PDGFRA):c.*2465A>G

Gene: PDGFRA (platelet derived growth factor receptor alpha; plus strand). Cytogenetic location: 4q12.
Variant type: single nucleotide variant.
Coding change: c.*2465A>G on transcript NM_006206.6 (MANE Select); 2465 bases downstream of the stop codon, A replaced by G.
Molecular consequence: 3 prime UTR variant.
Genome position (GRCh38, 1-based): chr4:54,297,737, A>G. VCF-style: chr4-54297737-A-G. GRCh37 (hg19) VCF-style: chr4-55163904-A-G.
Other names: c.*2465A>G (NM_001347828.2, NM_001347829.2, NM_001347830.2).
Identifiers: ClinVar variation 900068 (VCV000900068.4), dbSNP rs78148538, ClinGen allele CA96834999.